The following is an entry in ClinVar:

ClinVar aggregate classification (germline): Likely pathogenic (1 of 4 stars; one submission).

Submission:

GeneDx
Classification: Likely pathogenic. Last evaluated: 2016-07-13. Review status: criteria provided, single submitter. Criteria: GeneDx Variant Classification (06012015). Collection method: clinical testing. Allele origin: germline. Affected: yes.
Comment: The L75P variant in the PURA gene has not been reported previously as a pathogenic variant, nor as a benign variant, to our knowledge. The L75P variant was not observed in approximately 6500 individuals of European and African American ancestry in the NHLBI Exome Sequencing Project, indicating it is not a common benign variant in these populations. The L75P variant is a semi-conservative amino acid substitution, which may impact secondary protein structure as these residues differ in some properties. This substitution occurs at a position that is conserved across species. In silico analysis predicts this variant is probably damaging to the protein structure/function. The L75P variant is a strong candidate for a pathogenic variant, however the possibility it may be a rare benign variant cannot be excluded.

NM_005859.5(PURA):c.224T>C (p.Leu75Pro)

Gene: PURA (purine rich element binding protein A; plus strand). Cytogenetic location: 5q31.3.
Variant type: single nucleotide variant.
Coding change: c.224T>C on transcript NM_005859.5 (MANE Select); coding-DNA position 224, T replaced by C.
Protein change: p.Leu75Pro; replaces leucine 75 with proline.
Molecular consequence: missense variant.
Genome position (GRCh38, 1-based): chr5:140,114,405, T>C. VCF-style: chr5-140114405-T-C. GRCh37 (hg19) VCF-style: chr5-139493990-T-C.
Other names: short protein forms L75P.
Identifiers: ClinVar variation 432206 (VCV000432206.2), dbSNP rs1554129049, ClinGen allele CA361490191.